The following is an entry in ClinVar:

NM_001378615.1(CC2D2A):c.970C>T (p.Arg324Cys)

Genes: CC2D2A (coiled-coil and C2 domain containing 2A; plus strand), FBXL5 (F-box and leucine rich repeat protein 5; minus strand). Cytogenetic location: 4p15.32.
Variant type: single nucleotide variant.
Coding change: c.970C>T on transcript NM_001378615.1 (MANE Select); coding-DNA position 970, C replaced by T.
Protein change: p.Arg324Cys; replaces arginine 324 with cysteine.
Molecular consequence: missense variant.
Genome position (GRCh38, 1-based): chr4:15,515,957, C>T. VCF-style: chr4-15515957-C-T. GRCh37 (hg19) VCF-style: chr4-15517580-C-T.
Other names: c.970C>T, p.Arg324Cys (NM_001080522.2); c.823C>T, p.Arg275Cys (NM_001378617.1); short protein forms R324C, R275C.
Identifiers: ClinVar variation 430351 (VCV000430351.8), dbSNP rs376969878, ClinGen allele CA2863529.

ClinVar aggregate classification (germline): Uncertain significance. Review status: criteria provided, multiple submitters, no conflicts (2 of 4 stars). 5 submissions from 4 submitters: Uncertain significance (5). Last evaluated 2025-08-22.

Conditions:
Meckel-Gruber syndrome. Also called: Dysencephalia splachnocystica; DYSENCEPHALIA SPLANCHNOCYSTICA; GRUBER SYNDROME. Identifiers: Orphanet 564, MedGen C0265215, MONDO:0018921.
Joubert syndrome. Also called: Familial aplasia of the vermis; JOUBERT-BOLTSHAUSER SYNDROME. Identifiers: Orphanet 475, MedGen C5979921, MONDO:0018772.
Joubert syndrome 9 (JBTS9). Identifiers: Orphanet 2318, MedGen C2676788, MONDO:0012849, OMIM 612285.
Inborn genetic diseases. Identifiers: MedGen C0950123, MeSH D030342.
Meckel syndrome, type 6. Identifiers: Orphanet 564, MedGen C2676790, MONDO:0012848, OMIM 612284.

Allele frequency attached by ClinVar (database versions not stated): gnomAD 0.00004; gnomAD exomes 0.00005 and 0.00009; TOPMed 0.00005; ESP Exome Variant Server 0.00008; ExAC 0.00009.
gnomAD v4.1: 80 of 1,580,450 alleles (0.0051%); highest among the groups gnomAD compares: Admixed American, 0.0072%; no homozygotes.

Submissions (5):

Ambry Genetics
Classification: Uncertain significance for Inborn genetic diseases. Last evaluated: 2025-08-22. Review status: criteria provided, single submitter. Criteria: Ambry Variant Classification Scheme 2023. Collection method: clinical testing. Allele origin: germline.

Labcorp Genetics (formerly Invitae), Labcorp
Classification: Uncertain significance for Joubert syndrome; Meckel-Gruber syndrome. Last evaluated: 2022-10-13. Review status: criteria provided, single submitter. Criteria: Invitae Variant Classification Sherloc (09022015). Collection method: clinical testing. Allele origin: germline.
Comment: This sequence change replaces arginine, which is basic and polar, with cysteine, which is neutral and slightly polar, at codon 324 of the CC2D2A protein (p.Arg324Cys). This variant is present in population databases (rs376969878, gnomAD 0.01%). This variant has not been reported in the literature in individuals affected with CC2D2A-related conditions. ClinVar contains an entry for this variant (Variation ID: 430351). Advanced modeling of protein sequence and biophysical properties (such as structural, functional, and spatial information, amino acid conservation, physicochemical variation, residue mobility, and thermodynamic stability) performed at Invitae indicates that this missense variant is not expected to disrupt CC2D2A protein function. In summary, the available evidence is currently insufficient to determine the role of this variant in disease. Therefore, it has been classified as a Variant of Uncertain Significance.

Illumina Laboratory Services, Illumina
Classification: Uncertain significance for Joubert syndrome 9. Last evaluated: 2018-01-13. Review status: criteria provided, single submitter. Criteria: ICSL Variant Classification Criteria 13 December 2019. Collection method: clinical testing. Allele origin: germline.

Illumina Laboratory Services, Illumina
Classification: Uncertain significance for Meckel syndrome, type 6. Last evaluated: 2018-01-13. Review status: criteria provided, single submitter. Criteria: ICSL Variant Classification Criteria 13 December 2019. Collection method: clinical testing. Allele origin: germline.

GeneDx
Classification: Uncertain significance. Last evaluated: 2017-05-25. Review status: criteria provided, single submitter. Criteria: GeneDx Variant Classification (06012015). Collection method: clinical testing. Allele origin: germline. Affected: yes.
Comment: A variant of uncertain significance has been identified in the CC2D2A gene. The R324C variant has not been published as a pathogenic variant, nor has it been reported as a benign variant to our knowledge. The R324C variant is not observed in large population cohorts (Lek et al., 2016; 1000 Genomes Consortium et al., 2015; Exome Variant Server). The R324C variant is a non-conservative amino acid substitution, which is likely to impact secondary protein structure as these residues differ in polarity, charge, size and/or other properties. However, this substitution occurs at a position that is not conserved. In silico analysis is inconsistent in its predictions as to whether or not the variant is damaging to the protein structure/function. Therefore, based on the currently available information, it is unclear whether this variant is a pathogenic variant or a rare benign variant.